The following is an entry in ClinVar:

ClinVar aggregate classification (germline): Uncertain significance (1 of 4 stars; one submission).

Submission:

Women's Health and Genetics/Laboratory Corporation of America, LabCorp
Classification: Uncertain significance. Last evaluated: 2025-12-05. Review status: criteria provided, single submitter. Criteria: LabCorp Variant Classification Summary - May 2015. Collection method: clinical testing. Allele origin: germline.
Comment: Variant summary: KMT2A c.677C>T (p.Pro226Leu) results in a non-conservative amino acid change in the encoded protein sequence. Algorithms developed to predict the effect of missense changes on protein structure and function all suggest that this variant is likely to be disruptive. The variant was absent in 249816 control chromosomes. The available data on variant occurrences in the general population are insufficient to allow any conclusion about variant significance. To our knowledge, no occurrence of c.677C>T in individuals affected with KMT2A-related conditions and no experimental evidence demonstrating its impact on protein function have been reported. No submitters have cited clinical-significance assessments for this variant to ClinVar. Based on the evidence outlined above, the variant was classified as uncertain significance.

NM_001197104.2(KMT2A):c.677C>T (p.Pro226Leu)

Gene: KMT2A (lysine methyltransferase 2A; plus strand). Cytogenetic location: 11q23.3.
Variant type: single nucleotide variant.
Coding change: c.677C>T on transcript NM_001197104.2 (MANE Select); coding-DNA position 677, C replaced by T.
Protein change: p.Pro226Leu; replaces proline 226 with leucine.
Molecular consequence: missense variant.
Genome position (GRCh38, 1-based): chr11:118,471,836, C>T. VCF-style: chr11-118471836-C-T. GRCh37 (hg19) VCF-style: chr11-118342551-C-T.
Other names: c.776C>T, p.Pro259Leu (NM_001412597.1); c.677C>T, p.Pro226Leu (NM_005933.4); short protein forms P226L, P259L.
Identifiers: ClinVar variation 4688547 (VCV004688547.1).